The following is an entry in ClinVar:

NM_001142800.2(EYS):c.3779C>T (p.Thr1260Ile)

Gene: EYS (eyes shut homolog; minus strand). Cytogenetic location: 6q12.
Variant type: single nucleotide variant.
Coding change: c.3779C>T on transcript NM_001142800.2 (MANE Select); coding-DNA position 3779, C replaced by T.
Protein change: p.Thr1260Ile; replaces threonine 1260 with isoleucine.
Molecular consequence: missense variant.
Genome position (GRCh38, 1-based): chr6:64,593,215, G>A on the plus strand (C>T on the coding strand, the complement: EYS is on the minus strand). VCF-style: chr6-64593215-G-A. GRCh37 (hg19) VCF-style: chr6-65303108-G-A.
Other names: c.3779C>T, p.Thr1260Ile (NM_001292009.2); short protein forms T1260I.
Identifiers: ClinVar variation 1498136 (VCV001498136.4), dbSNP rs759438157, ClinGen allele CA3877132.

ClinVar aggregate classification (germline): Uncertain significance. Review status: criteria provided, single submitter (1 of 4 stars). 2 submissions from 2 submitters: Uncertain significance (1). 1 of the submissions does not count toward it. Last evaluated 2022-02-09.

Conditions:
Retinal dystrophy. Also called: Inherited retinal dystrophy. Identifiers: Orphanet 71862, MedGen C0854723, MeSH D058499, MONDO:0019118, HP:0000556.

Allele frequency attached by ClinVar (database versions not stated): gnomAD exomes below 0.00001; TOPMed below 0.00001; gnomAD 0.00001; ExAC 0.00005.
gnomAD v4.1: 7 of 1,550,474 alleles (0.00045%); highest among the groups gnomAD compares: South Asian, 0.0012%; no homozygotes.

Submissions (2):

Labcorp Genetics (formerly Invitae), Labcorp
Classification: Uncertain significance. Last evaluated: 2022-02-09. Review status: criteria provided, single submitter. Criteria: Invitae Variant Classification Sherloc (09022015). Collection method: clinical testing. Allele origin: germline.
Comment: This sequence change replaces threonine, which is neutral and polar, with isoleucine, which is neutral and non-polar, at codon 1260 of the EYS protein (p.Thr1260Ile). This variant is present in population databases (rs759438157, gnomAD 0.002%). This variant has not been reported in the literature in individuals affected with EYS-related conditions. Algorithms developed to predict the effect of missense changes on protein structure and function output the following: SIFT: "Tolerated"; PolyPhen-2: "Benign"; Align-GVGD: "Class C0". The isoleucine amino acid residue is found in multiple mammalian species, which suggests that this missense change does not adversely affect protein function. In summary, the available evidence is currently insufficient to determine the role of this variant in disease. Therefore, it has been classified as a Variant of Uncertain Significance.

Institute of Human Genetics, Univ. Regensburg, Univ. Regensburg
Classification: Uncertain significance for Retinal dystrophy. Last evaluated: 2022-01-01. Review status: no assertion criteria provided. Criteria: ACMG Guidelines, 2015. Collection method: clinical testing. Allele origin: germline. Affected: yes. Not counted in ClinVar's aggregate classification.